The following is an entry in ClinVar:

ClinVar aggregate classification (germline): Uncertain significance. Review status: criteria provided, multiple submitters, no conflicts (2 of 4 stars). 2 submissions from 2 submitters: Uncertain significance (2). Last evaluated 2022-01-13.

Conditions:
Tumor predisposition syndrome 3 (TPDS3). Also called: Melanoma, cutaneous malignant, susceptibility to, 10; Glioma susceptibility 9; LONG TELOMERE SYNDROME, POT1-RELATED; POT1 Tumor Predisposition. Identifiers: Orphanet 618, MedGen C4014476, MONDO:0014368, OMIM 615848.
Hereditary cancer-predisposing syndrome. Also called: Tumor predisposition; Hereditary Cancer Syndrome; Neoplastic Syndromes, Hereditary; Hereditary neoplastic syndrome. Identifiers: Orphanet 140162, MedGen C0027672, MeSH D009386, MONDO:0015356.

Allele frequency attached by ClinVar (database versions not stated): gnomAD exomes below 0.00001.

Submissions (2):

Ambry Genetics
Classification: Uncertain significance for Hereditary cancer-predisposing syndrome. Last evaluated: 2022-01-13. Review status: criteria provided, single submitter. Criteria: Ambry Variant Classification Scheme 2023. Collection method: clinical testing. Allele origin: germline.
Comment: The p.A177T variant (also known as c.529G>A), located in coding exon 4 of the POT1 gene, results from a G to A substitution at nucleotide position 529. The alanine at codon 177 is replaced by threonine, an amino acid with similar properties. This amino acid position is conserved. In addition, this alteration is predicted to be tolerated by in silico analysis. Since supporting evidence is limited at this time, the clinical significance of this alteration remains unclear.

Labcorp Genetics (formerly Invitae), Labcorp
Classification: Uncertain significance for Tumor predisposition syndrome 3. Last evaluated: 2019-10-25. Review status: criteria provided, single submitter. Criteria: Invitae Variant Classification Sherloc (09022015). Collection method: clinical testing. Allele origin: germline.
Comment: This variant has not been reported in the literature in individuals with POT1-related conditions. This variant is not present in population databases (ExAC no frequency). This sequence change replaces alanine with threonine at codon 177 of the POT1 protein (p.Ala177Thr). The alanine residue is weakly conserved and there is a small physicochemical difference between alanine and threonine. In summary, the available evidence is currently insufficient to determine the role of this variant in disease. Therefore, it has been classified as a Variant of Uncertain Significance. Algorithms developed to predict the effect of missense changes on protein structure and function output the following: SIFT: "Tolerated"; PolyPhen-2: "Benign"; Align-GVGD: "Class C0". The threonine amino acid residue is found in multiple mammalian species, suggesting that this missense change does not adversely affect protein function. These predictions have not been confirmed by published functional studies and their clinical significance is uncertain.

NM_015450.3(POT1):c.529G>A (p.Ala177Thr)

Gene: POT1 (protection of telomeres 1; minus strand). Cytogenetic location: 7q31.33.
Variant type: single nucleotide variant.
Coding change: c.529G>A on transcript NM_015450.3 (MANE Select); coding-DNA position 529, G replaced by A.
Protein change: p.Ala177Thr; replaces alanine 177 with threonine.
Molecular consequence: missense variant. On other transcripts: non-coding transcript variant (3).
Genome position (GRCh38, 1-based): chr7:124,863,367, C>T on the plus strand (G>A on the coding strand, the complement: POT1 is on the minus strand). VCF-style: chr7-124863367-C-T. GRCh37 (hg19) VCF-style: chr7-124503421-C-T.
Other names: c.136G>A, p.Ala46Thr (NM_001042594.2); short protein forms A177T, A46T.
Identifiers: ClinVar variation 955760 (VCV000955760.12), dbSNP rs1795645494, ClinGen allele CA369058665.